The following is an entry in ClinVar:

NM_001040616.3(LINS1):c.1813A>G (p.Met605Val)

Gene: LINS1 (lines homolog 1; minus strand). Cytogenetic location: 15q26.3.
Variant type: single nucleotide variant.
Coding change: c.1813A>G on transcript NM_001040616.3 (MANE Select); coding-DNA position 1813, A replaced by G.
Protein change: p.Met605Val; replaces methionine 605 with valine.
Molecular consequence: missense variant. On other transcripts: non-coding transcript variant (3).
Genome position (GRCh38, 1-based): chr15:100,569,699, T>C on the plus strand (A>G on the coding strand, the complement: LINS1 is on the minus strand). VCF-style: chr15-100569699-T-C. GRCh37 (hg19) VCF-style: chr15-101109904-T-C.
Other names: c.1066A>G, p.Met356Val (NM_001352507.2); c.1660A>G, p.Met554Val (NM_001352508.2); short protein forms M605V, M356V, M554V.
Identifiers: ClinVar variation 211382 (VCV000211382.47), dbSNP rs141855950, ClinGen allele CA248817.

ClinVar aggregate classification (germline): Benign/Likely benign. Review status: criteria provided, multiple submitters, no conflicts (2 of 4 stars). 7 submissions from 7 submitters: Benign (1); Likely benign (6). Last evaluated 2026-01-01.

Conditions:
Inborn genetic diseases. Identifiers: MedGen C0950123, MeSH D030342.

Allele frequency attached by ClinVar (database versions not stated): 1000 Genomes Project 0.00180; 1000 Genomes Project 30x 0.00187; gnomAD 0.00238 and 0.00249; TOPMed 0.00244; gnomAD exomes 0.00273 and 0.00355; ESP Exome Variant Server 0.00300; ExAC 0.00324.
gnomAD v4.1: 5,521 of 1,613,844 alleles (0.34%); highest among the groups gnomAD compares: Non-Finnish European, 0.43%; 15 homozygotes.

Submissions (7):

CeGaT Center for Human Genetics Tuebingen
Classification: Likely benign. Last evaluated: 2026-01-01. Review status: criteria provided, single submitter. Criteria: CeGaT Center For Human Genetics Tuebingen Variant Classification Criteria Version 2. Collection method: clinical testing. Allele origin: germline. Affected: yes. Observed: 13 variant alleles.
Comment: LINS1: BP4, BS2

Labcorp Genetics (formerly Invitae), Labcorp
Classification: Likely benign. Last evaluated: 2019-12-31. Review status: criteria provided, single submitter. Criteria: Invitae Variant Classification Sherloc (09022015). Collection method: clinical testing. Allele origin: germline.

Ambry Genetics
Classification: Likely benign for Inborn genetic diseases. Last evaluated: 2018-09-12. Review status: criteria provided, single submitter. Criteria: Ambry Variant Classification Scheme 2023. Collection method: clinical testing. Allele origin: germline.

Genetic Services Laboratory, University of Chicago
Classification: Likely benign. Last evaluated: 2017-01-19. Review status: criteria provided, single submitter. Criteria: ACMG Guidelines, 2015. Collection method: clinical testing. Allele origin: germline. Affected: no.

Center for Pediatric Genomic Medicine, Children's Mercy Hospital and Clinics
Classification: Likely benign. Last evaluated: 2016-11-07. Review status: criteria provided, single submitter. Criteria: ACMG Guidelines, 2015. Collection method: clinical testing. Allele origin: germline.
ClinVar note: Converted during submission from Likely Benign to Likely benign.

Genomic Diagnostic Laboratory, Division of Genomic Diagnostics, Children's Hospital of Philadelphia
Classification: Benign. Last evaluated: 2015-06-17. Review status: criteria provided, single submitter. Criteria: DGD Variant Analysis Guidelines. Collection method: clinical testing. Allele origin: unknown.

Breakthrough Genomics
Classification: Likely benign. Review status: criteria provided, single submitter. Criteria: ACMG Guidelines, 2015. Collection method: not provided. Allele origin: germline. Inheritance: Autosomal recessive inheritance. Affected: yes.